The following is an entry in ClinVar:

NM_001367721.1(CASK):c.2449G>A (p.Gly817Arg)

Gene: CASK (calcium/calmodulin dependent serine protein kinase; minus strand). Cytogenetic location: Xp11.4.
Variant type: single nucleotide variant.
Coding change: c.2449G>A on transcript NM_001367721.1 (MANE Select); coding-DNA position 2449, G replaced by A.
Protein change: p.Gly817Arg; replaces glycine 817 with arginine.
Molecular consequence: missense variant.
Genome position (GRCh38, 1-based): chrX:41,531,078, C>T on the plus strand (G>A on the coding strand, the complement: CASK is on the minus strand). VCF-style: chrX-41531078-C-T. GRCh37 (hg19) VCF-style: chrX-41390331-C-T.
Other names: c.2365G>A, p.Gly789Arg (NM_001126054.3); c.2362G>A, p.Gly788Arg (NM_001126055.3); c.2431G>A, p.Gly811Arg (NM_001410745.1); c.2434G>A, p.Gly812Arg (NM_003688.4); c.2434G>A (NM_003688.3); short protein forms G817R, G789R, G812R, G788R, G811R.
Identifiers: ClinVar variation 2766122 (VCV002766122.4), dbSNP rs2519688001, ClinGen allele CA412990159.
Genomic context (GRCh38, chrX:41,531,078, plus strand): 5'-CGTCCAGTATTGCAATCAGCCCCTGCTCGTGGATCTTCCGGATGGTCTCCAGTTTTGTCC[C>T]ATACATCGCATCCTCGTGGCTGCCGTACTCCAAGTACTCGTTATTAGAGATGTCTTGCAT-3'
Protein context (NP_001354650.1, residues 807-827): EYGSHEDAMY[Gly817Arg]TKLETIRKIH

ClinVar aggregate classification (germline): Uncertain significance. Review status: criteria provided, multiple submitters, no conflicts (2 of 4 stars). 2 submissions from 2 submitters: Uncertain significance (2). Last evaluated 2026-04-15.

Conditions:
Intellectual disability, CASK-related, X-linked. Identifiers: MedGen CN043158.

Submissions (2):

GeneDx
Classification: Uncertain significance. Last evaluated: 2026-04-15. Review status: criteria provided, single submitter. Criteria: GeneDx Variant Classification Process June 2021. Collection method: clinical testing. Allele origin: germline.
Comment: Not observed at significant frequency in large population cohorts (gnomAD); In silico analysis supports that this missense variant has a deleterious effect on protein structure/function; Has not been previously published as pathogenic or benign to our knowledge

Labcorp Genetics (formerly Invitae), Labcorp
Classification: Uncertain significance for Intellectual disability, CASK-related, X-linked. Last evaluated: 2023-10-05. Review status: criteria provided, single submitter. Criteria: Invitae Variant Classification Sherloc (09022015). Collection method: clinical testing. Allele origin: germline.
Comment: This sequence change replaces glycine, which is neutral and non-polar, with arginine, which is basic and polar, at codon 812 of the CASK protein (p.Gly812Arg). This variant is not present in population databases (gnomAD no frequency). This variant has not been reported in the literature in individuals affected with CASK-related conditions. Advanced modeling of protein sequence and biophysical properties (such as structural, functional, and spatial information, amino acid conservation, physicochemical variation, residue mobility, and thermodynamic stability) has been performed at Invitae for this missense variant, however the output from this modeling did not meet the statistical confidence thresholds required to predict the impact of this variant on CASK protein function. In summary, the available evidence is currently insufficient to determine the role of this variant in disease. Therefore, it has been classified as a Variant of Uncertain Significance.